The following is an entry in ClinVar:

ClinVar aggregate classification (germline): Uncertain significance (1 of 4 stars; one submission).

Conditions:
Telangiectasia, hereditary hemorrhagic, type 2 (HHT2). Also called: ACVRL1-Related Hereditary Hemorrhagic Telangiectasia; Telangiectasia, hereditary hemorrhagic, type II. Identifiers: Orphanet 774, MedGen C1838163, MONDO:0010880, OMIM 600376. Disease mechanism: loss of function.

Submission:

Labcorp Genetics (formerly Invitae), Labcorp
Classification: Uncertain significance for Telangiectasia, hereditary hemorrhagic, type 2. Last evaluated: 2023-04-15. Review status: criteria provided, single submitter. Criteria: Invitae Variant Classification Sherloc (09022015). Collection method: clinical testing. Allele origin: germline.
Comment: This sequence change falls in intron 6 of the ACVRL1 gene. It does not directly change the encoded amino acid sequence of the ACVRL1 protein. In summary, the available evidence is currently insufficient to determine the role of this variant in disease. Therefore, it has been classified as a Variant of Uncertain Significance. Experimental studies and prediction algorithms are not available or were not evaluated, and the effect of this variant on mRNA splicing is currently unknown. This variant has not been reported in the literature in individuals affected with ACVRL1-related conditions. Information on the frequency of this variant in the gnomAD database is not available, as this variant may be reported differently in the database.

NM_000020.3(ACVRL1):c.772+14_772+16delinsTAG

Gene: ACVRL1 (activin A receptor like type 1; plus strand). Cytogenetic location: 12q13.13.
Variant type: Indel.
Coding change: c.772+14_772+16delinsTAG on transcript NM_000020.3 (MANE Select); bases 14 to 16 of the intron after coding-DNA position 772, CCA replaced by TAG.
Molecular consequence: intron variant.
Genome position (GRCh38, 1-based): chr12:51,914,599-51,914,601, CCA replaced by TAG. VCF-style: chr12-51914599-CCA-TAG. GRCh37 (hg19) VCF-style: chr12-52308383-CCA-TAG.
Other names: c.460+14_460+16delinsTAG (NM_001406494.1, NM_001406493.1, NM_001406491.1 and 2 more transcripts); c.208+14_208+16delinsTAG (NM_001406495.1); c.772+14_772+16delinsTAG (NM_001406489.1, NM_001406487.1, NM_001406488.1 and 1 more transcripts).
Identifiers: ClinVar variation 2856477 (VCV002856477.3), dbSNP rs2540162966, ClinGen allele CA2739272046.